The following is an entry in ClinVar:

NM_001853.4(COL9A3):c.503G>T (p.Gly168Val)

Gene: COL9A3 (collagen type IX alpha 3 chain; plus strand). Cytogenetic location: 20q13.33.
Variant type: single nucleotide variant.
Coding change: c.503G>T on transcript NM_001853.4 (MANE Select); coding-DNA position 503, G replaced by T.
Protein change: p.Gly168Val; replaces glycine 168 with valine.
Molecular consequence: missense variant.
Genome position (GRCh38, 1-based): chr20:62,822,616, G>T. VCF-style: chr20-62822616-G-T. GRCh37 (hg19) VCF-style: chr20-61453968-G-T.
Other names: short protein forms G168V.
Identifiers: ClinVar variation 1935725 (VCV001935725.5), dbSNP rs762180889, ClinGen allele CA9949310.
Genomic context (GRCh38, chr20:62,822,616, plus strand): 5'-GGCGGGAGAATGTCAGCTGTCTCTTTTTGTCTTAGGGACACCCAGGAGTCCTCCCTGAAG[G>T]CGCTACTGACCTTCAGGTAGGCACTTGAAGCCATTTGTTAAGGGTGCTGGGGGGTGCCTA-3'
Protein context (NP_001844.3, residues 158-178): PPGHPGVLPE[Gly168Val]ATDLQCPSIC

ClinVar aggregate classification (germline): Uncertain significance (1 of 4 stars; one submission).

Allele frequency attached by ClinVar (database versions not stated): gnomAD exomes 0.00001; TOPMed 0.00002; ExAC 0.00004.
gnomAD v4.1: 8 of 1,612,562 alleles (0.0005%); highest among the groups gnomAD compares: Admixed American, 0.012%; no homozygotes.

Submission:

Labcorp Genetics (formerly Invitae), Labcorp
Classification: Uncertain significance. Last evaluated: 2023-10-17. Review status: criteria provided, single submitter. Criteria: Invitae Variant Classification Sherloc (09022015). Collection method: clinical testing. Allele origin: germline.
Comment: This sequence change replaces glycine, which is neutral and non-polar, with valine, which is neutral and non-polar, at codon 168 of the COL9A3 protein (p.Gly168Val). This variant is present in population databases (rs762180889, gnomAD 0.02%). This variant has not been reported in the literature in individuals affected with COL9A3-related conditions. ClinVar contains an entry for this variant (Variation ID: 1935725). Advanced modeling of protein sequence and biophysical properties (such as structural, functional, and spatial information, amino acid conservation, physicochemical variation, residue mobility, and thermodynamic stability) performed at Invitae indicates that this missense variant is expected to disrupt COL9A3 protein function. In summary, the available evidence is currently insufficient to determine the role of this variant in disease. Therefore, it has been classified as a Variant of Uncertain Significance.